The following is an entry in ClinVar:

ClinVar aggregate classification (germline): Uncertain significance. Review status: criteria provided, single submitter (1 of 4 stars). 2 submissions from 2 submitters: Uncertain significance (1). 1 of the submissions does not count toward it. Last evaluated 2025-08-12.

Allele frequency attached by ClinVar (database versions not stated): ExAC 0.00003; gnomAD 0.00003; gnomAD exomes 0.00004; TOPMed 0.00007.

Submissions (2):

Ambry Genetics
Classification: Uncertain significance. Last evaluated: 2025-08-12. Review status: criteria provided, single submitter. Criteria: Ambry Variant Classification Scheme 2023. Collection method: clinical testing. Allele origin: germline.

Department of Pathology and Laboratory Medicine, Sinai Health System
Classification: Uncertain significance. Review status: no assertion criteria provided. Collection method: clinical testing. Allele origin: unknown. Affected: yes. Study: The Canadian Open Genetics Repository (COGR). Not counted in ClinVar's aggregate classification.
Comment: The WIPI2 p.A367T variant was not identified in the literature nor was it identified in ClinVar, Cosmic, or LOVD 3.0. The variant was identified in dbSNP (ID: rs777129754) and in control databases in 10 of 250286 chromosomes at a frequency of 0.00004 (Genome Aggregation Database March 6, 2019, v2.1.1). The variant was observed in the following populations: African in 1 of 16186 chromosomes (freq: 0.000062), Latino in 2 of 34494 chromosomes (freq: 0.000058), East Asian in 1 of 18366 chromosomes (freq: 0.000054), European (non-Finnish) in 5 of 112930 chromosomes (freq: 0.000044) and South Asian in 1 of 30552 chromosomes (freq: 0.000033), but was not observed in the Ashkenazi Jewish, European (Finnish) or Other populations. The p.Ala367 residue is conserved in mammals but not in more distantly related organisms however four out of five computational analyses (PolyPhen-2, SIFT, AlignGVGD, BLOSUM, MutationTaster) do not suggest a high likelihood of impact to the protein; this information is not predictive enough to rule out pathogenicity. The variant occurs outside of the splicing consensus sequence and in silico or computational prediction software programs (SpliceSiteFinder, MaxEntScan, NNSPLICE, GeneSplicer) do not predict a difference in splicing. In summary, based on the above information the clinical significance of this variant cannot be determined with certainty at this time. This variant is classified as a variant of uncertain significance.

NM_015610.4(WIPI2):c.1309G>A (p.Ala437Thr)

Gene: WIPI2 (WD repeat domain, phosphoinositide interacting 2; plus strand). Cytogenetic location: 7p22.1.
Variant type: single nucleotide variant.
Coding change: c.1309G>A on transcript NM_015610.4 (MANE Select); coding-DNA position 1309, G replaced by A.
Protein change: p.Ala437Thr; replaces alanine 437 with threonine.
Molecular consequence: missense variant.
Genome position (GRCh38, 1-based): chr7:5,230,891, G>A. VCF-style: chr7-5230891-G-A. GRCh37 (hg19) VCF-style: chr7-5270522-G-A.
Other names: c.1276G>A, p.Ala426Thr (NM_001033518.2); c.1222G>A, p.Ala408Thr (NM_001033519.2); c.1099G>A, p.Ala367Thr (NM_001033520.1); c.877G>A, p.Ala293Thr (NM_001278299.2); c.1255G>A, p.Ala419Thr (NM_016003.4); c.1309G>A (NM_015610.3); short protein forms A293T, A367T, A408T, A419T, A426T, A437T.
Identifiers: ClinVar variation 1049803 (VCV001049803.2), dbSNP rs777129754, ClinGen allele CA4142083.
Genomic context (GRCh38, chr7:5,230,891, plus strand): 5'-GCAGCCTACACAGACGACCTGGGTGCTGTGGGTGGCGCCTGCCTGGAGGACGAGGCCAGC[G>A]CCCTGCGCCTGGATGAGGACAGCGAGCACCCGCCCATGATTCTTCGGACTGACTGAACTT-3'
Protein context (NP_056425.1, residues 427-447): GGACLEDEAS[Ala437Thr]LRLDEDSEHP